The following is an entry in ClinVar:

NM_001382741.1(FBRSL1):c.1644G>A (p.Pro548=)

Gene: FBRSL1 (fibrosin like 1; plus strand). Cytogenetic location: 12q24.33.
Variant type: single nucleotide variant.
Coding change: c.1644G>A on transcript NM_001382741.1 (MANE Plus Clinical); coding-DNA position 1644, G replaced by A.
Protein change: p.Pro548=; no amino-acid change (proline 548 retained).
Molecular consequence: synonymous variant. On other transcripts: non-coding transcript variant (1), intron variant (5).
Genome position (GRCh38, 1-based): chr12:132,510,320, G>A. VCF-style: chr12-132510320-G-A. GRCh37 (hg19) VCF-style: chr12-133086906-G-A.
Other names: c.1347G>A, p.Pro449= (NM_001382742.1); c.489+1970G>A (NM_001367871.1, NM_001382739.1, NM_001142641.2 and 2 more transcripts).
Identifiers: ClinVar variation 3778148 (VCV003778148.7).

ClinVar aggregate classification (germline): Likely benign (1 of 4 stars; one submission).

gnomAD v4.1: 2,966 of 1,230,554 alleles (0.24%); highest among the groups gnomAD compares: Admixed American, 0.32%; 4 homozygotes.

Submission:

CeGaT Center for Human Genetics Tuebingen
Classification: Likely benign. Last evaluated: 2026-09-01. Review status: criteria provided, single submitter. Criteria: CeGaT Center For Human Genetics Tuebingen Variant Classification Criteria Version 2. Collection method: clinical testing. Allele origin: germline. Affected: yes. Observed: 4 variant alleles.
Comment: FBRSL1: BP4, BP7